The following is an entry in ClinVar:

NM_001171155.2(PET100):c.172C>T (p.Arg58Trp)

Genes: PET100 (PET100 cytochrome c oxidase chaperone; plus strand), STXBP2 (syntaxin binding protein 2; plus strand). Cytogenetic location: 19p13.2.
Variant type: single nucleotide variant.
Coding change: c.172C>T on transcript NM_001171155.2 (MANE Select); coding-DNA position 172, C replaced by T.
Protein change: p.Arg58Trp; replaces arginine 58 with tryptophan.
Molecular consequence: missense variant. On other transcripts: non-coding transcript variant (1).
Genome position (GRCh38, 1-based): chr19:7,631,506, C>T. VCF-style: chr19-7631506-C-T. GRCh37 (hg19) VCF-style: chr19-7696392-C-T.
Other names: short protein forms R58W.
Identifiers: ClinVar variation 1963808 (VCV001963808.2), dbSNP rs756201257, ClinGen allele CA403154062.

ClinVar aggregate classification (germline): Uncertain significance (1 of 4 stars; one submission).

Allele frequency attached by ClinVar (database versions not stated): gnomAD exomes below 0.00001.
gnomAD v4.1: 6 of 1,536,302 alleles (0.00039%); highest among the groups gnomAD compares: South Asian, 0.0036%; no homozygotes.

Submission:

Labcorp Genetics (formerly Invitae), Labcorp
Classification: Uncertain significance. Last evaluated: 2022-04-11. Review status: criteria provided, single submitter. Criteria: Invitae Variant Classification Sherloc (09022015). Collection method: clinical testing. Allele origin: germline.
Comment: This sequence change replaces arginine, which is basic and polar, with tryptophan, which is neutral and slightly polar, at codon 58 of the PET100 protein (p.Arg58Trp). This variant is present in population databases (no rsID available, gnomAD 0.004%). This variant has not been reported in the literature in individuals affected with PET100-related conditions. Algorithms developed to predict the effect of missense changes on protein structure and function (SIFT, PolyPhen-2, Align-GVGD) all suggest that this variant is likely to be disruptive. In summary, the available evidence is currently insufficient to determine the role of this variant in disease. Therefore, it has been classified as a Variant of Uncertain Significance.